The following is an entry in ClinVar:

NM_004525.3(LRP2):c.101G>A (p.Arg34His)

Gene: LRP2 (LDL receptor related protein 2; minus strand). Cytogenetic location: 2q31.1.
Variant type: single nucleotide variant.
Coding change: c.101G>A on transcript NM_004525.3 (MANE Select); coding-DNA position 101, G replaced by A.
Protein change: p.Arg34His; replaces arginine 34 with histidine.
Molecular consequence: missense variant.
Genome position (GRCh38, 1-based): chr2:169,320,863, C>T on the plus strand (G>A on the coding strand, the complement: LRP2 is on the minus strand). VCF-style: chr2-169320863-C-T. GRCh37 (hg19) VCF-style: chr2-170177373-C-T.
Other names: short protein forms R34H.
Identifiers: ClinVar variation 1407929 (VCV001407929.8), dbSNP rs186568676, ClinGen allele CA1955989.
Genomic context (GRCh38, chr2:169,320,863, plus strand): 5'-GAACAGTCTTTGGTCCCATCACACCTCCAGTCTGCAGGGATGCAATGCCCACTTCCACAG[C>T]GAAAATGCGCACTGTCACATTCTGCAATAATAGACAGAAATTTTAAAAACTTATGCCATG-3'
Protein context (NP_004516.2, residues 24-44): SGQECDSAHF[Arg34His]CGSGHCIPAD

ClinVar aggregate classification (germline): Uncertain significance. Review status: criteria provided, multiple submitters, no conflicts (2 of 4 stars). 4 submissions from 4 submitters: Uncertain significance (4). Last evaluated 2022-02-18.

Conditions:
Donnai-Barrow syndrome. Also called: DBS/FOAR SYNDROME; FACIOOCULOACOUSTICORENAL SYNDROME. Identifiers: Orphanet 2143, MedGen C1857277, MONDO:0009104, OMIM 222448.

Allele frequency attached by ClinVar (database versions not stated): gnomAD exomes 0.00002; TOPMed 0.00002; gnomAD 0.00004; ExAC 0.00005; ESP Exome Variant Server 0.00015; 1000 Genomes Project 30x 0.00031; 1000 Genomes Project 0.00040.
gnomAD v4.1: 73 of 1,613,608 alleles (0.0045%); highest among the groups gnomAD compares: Non-Finnish European, 0.0053%; no homozygotes.

Submissions (4):

Labcorp Genetics (formerly Invitae), Labcorp
Classification: Uncertain significance. Last evaluated: 2022-02-18. Review status: criteria provided, single submitter. Criteria: Invitae Variant Classification Sherloc (09022015). Collection method: clinical testing. Allele origin: germline.
Comment: This sequence change replaces arginine, which is basic and polar, with histidine, which is basic and polar, at codon 34 of the LRP2 protein (p.Arg34His). This variant is present in population databases (rs186568676, gnomAD 0.01%). This variant has not been reported in the literature in individuals affected with LRP2-related conditions. Algorithms developed to predict the effect of missense changes on protein structure and function output the following: SIFT: "Tolerated"; PolyPhen-2: "Probably Damaging"; Align-GVGD: "Class C0". The histidine amino acid residue is found in multiple mammalian species, which suggests that this missense change does not adversely affect protein function. In summary, the available evidence is currently insufficient to determine the role of this variant in disease. Therefore, it has been classified as a Variant of Uncertain Significance.

Fulgent Genetics
Classification: Uncertain significance for Donnai-Barrow syndrome. Last evaluated: 2021-11-12. Review status: criteria provided, single submitter. Criteria: ACMG Guidelines, 2015. Collection method: clinical testing. Allele origin: unknown.

Blueprint Genetics
Classification: Uncertain significance. Last evaluated: 2019-04-27. Review status: criteria provided, single submitter. Criteria: ACMG Guidelines, 2015. Collection method: clinical testing. Allele origin: germline.

Breakthrough Genomics
Classification: Uncertain significance. Review status: criteria provided, single submitter. Criteria: ACMG Guidelines, 2015. Collection method: not provided. Allele origin: germline. Inheritance: Autosomal recessive inheritance. Affected: yes.